The following is an entry in ClinVar:

ClinVar aggregate classification (germline): Uncertain significance (1 of 4 stars; one submission).

gnomAD v4.1: 7 of 1,613,388 alleles (0.00043%); highest among the groups gnomAD compares: Non-Finnish European, 0.00059%; no homozygotes.

Submission:

Labcorp Genetics (formerly Invitae), Labcorp
Classification: Uncertain significance. Last evaluated: 2022-08-03. Review status: criteria provided, single submitter. Criteria: Invitae Variant Classification Sherloc (09022015). Collection method: clinical testing. Allele origin: germline.
Comment: This variant has not been reported in the literature in individuals affected with PCLO-related conditions. In summary, the available evidence is currently insufficient to determine the role of this variant in disease. Therefore, it has been classified as a Variant of Uncertain Significance. Algorithms developed to predict the effect of missense changes on protein structure and function are either unavailable or do not agree on the potential impact of this missense change (SIFT: "Deleterious"; PolyPhen-2: "Not Available"; Align-GVGD: "Class C0"). This variant is not present in population databases (gnomAD no frequency). This sequence change replaces serine, which is neutral and polar, with threonine, which is neutral and polar, at codon 4028 of the PCLO protein (p.Ser4028Thr).

NM_033026.6(PCLO):c.12083G>C (p.Ser4028Thr)

Gene: PCLO (piccolo presynaptic cytomatrix protein; minus strand). Cytogenetic location: 7q21.11.
Variant type: single nucleotide variant.
Coding change: c.12083G>C on transcript NM_033026.6 (MANE Select); coding-DNA position 12083, G replaced by C.
Protein change: p.Ser4028Thr; replaces serine 4028 with threonine.
Molecular consequence: missense variant.
Genome position (GRCh38, 1-based): chr7:82,915,903, C>G on the plus strand (G>C on the coding strand, the complement: PCLO is on the minus strand). VCF-style: chr7-82915903-C-G. GRCh37 (hg19) VCF-style: chr7-82545219-C-G.
Other names: c.12083G>C, p.Ser4028Thr (NM_014510.3); short protein forms S4028T.
Identifiers: ClinVar variation 2008066 (VCV002008066.4), dbSNP rs760193993, ClinGen allele CA367890326.